The following is an entry in ClinVar:

ClinVar aggregate classification (germline): Uncertain significance (1 of 4 stars; one submission).

Allele frequency attached by ClinVar (database versions not stated): TOPMed below 0.00001.

Submission:

Labcorp Genetics (formerly Invitae), Labcorp
Classification: Uncertain significance. Last evaluated: 2023-04-07. Review status: criteria provided, single submitter. Criteria: Invitae Variant Classification Sherloc (09022015). Collection method: clinical testing. Allele origin: germline.
Comment: This variant has not been reported in the literature in individuals affected with FOXI3-related conditions. Experimental studies and prediction algorithms are not available or were not evaluated, and the functional significance of this variant is currently unknown. In summary, the available evidence is currently insufficient to determine the role of this variant in disease. Therefore, it has been classified as a Variant of Uncertain Significance. The frequency data for this variant in the population databases is considered unreliable, as metrics indicate insufficient coverage at this position in the gnomAD database. This sequence change replaces proline, which is neutral and non-polar, with alanine, which is neutral and non-polar, at codon 85 of the FOXI3 protein (p.Pro85Ala).

NM_001135649.3(FOXI3):c.253C>G (p.Pro85Ala)

Gene: FOXI3 (forkhead box I3; minus strand). Cytogenetic location: 2p11.2.
Variant type: single nucleotide variant.
Coding change: c.253C>G on transcript NM_001135649.3 (MANE Select); coding-DNA position 253, C replaced by G.
Protein change: p.Pro85Ala; replaces proline 85 with alanine.
Molecular consequence: missense variant.
Genome position (GRCh38, 1-based): chr2:88,452,283, G>C on the plus strand (C>G on the coding strand, the complement: FOXI3 is on the minus strand). VCF-style: chr2-88452283-G-C. GRCh37 (hg19) VCF-style: chr2-88751801-G-C.
Other names: short protein forms P85A.
Identifiers: ClinVar variation 3001005 (VCV003001005.3), dbSNP rs1296112405, ClinGen allele CA347766743.